The following is an entry in ClinVar:

ClinVar aggregate classification (germline): Benign/Likely benign. Review status: criteria provided, multiple submitters, no conflicts (2 of 4 stars). 8 submissions from 8 submitters: Benign (4); Likely benign (4). Last evaluated 2026-04-01.

Conditions:
Generalized epilepsy with febrile seizures plus, type 10. Also called: GEFS+, TYPE 10. Identifiers: MedGen C5193120, MONDO:0032777, OMIM 618482.
Developmental and epileptic encephalopathy, 24 (DEE24). Also called: Epileptic encephalopathy, early infantile, 24. Identifiers: Orphanet 442835, MedGen C4014531, MONDO:0014377, OMIM 615871.
Early-infantile DEE. Also called: Early infantile epileptic encephalopathy; Early infantile epileptic encephalopathy with suppression bursts; Ohtahara syndrome. Identifiers: Orphanet 1934, MedGen C0393706, MONDO:0800491.
Inborn genetic diseases. Identifiers: MedGen C0950123, MeSH D030342.

Allele frequency attached by ClinVar (database versions not stated): ExAC 0.00068; gnomAD 0.00188 and 0.00191; TOPMed 0.00188; ESP Exome Variant Server 0.00284; 1000 Genomes Project 30x 0.00406; 1000 Genomes Project 0.00419.
gnomAD v4.1: 539 of 1,611,622 alleles (0.033%); highest among the groups gnomAD compares: African/African-American, 0.66%; 3 homozygotes.

Submissions (8):

CeGaT Center for Human Genetics Tuebingen
Classification: Likely benign. Last evaluated: 2026-04-01. Review status: criteria provided, single submitter. Criteria: CeGaT Center For Human Genetics Tuebingen Variant Classification Criteria Version 2. Collection method: clinical testing. Allele origin: germline. Affected: yes. Observed: 2 variant alleles.
Comment: HCN1: BP4, BP7

Labcorp Genetics (formerly Invitae), Labcorp
Classification: Benign for Early-infantile DEE. Last evaluated: 2026-01-24. Review status: criteria provided, single submitter. Criteria: Invitae Variant Classification Sherloc (09022015). Collection method: clinical testing. Allele origin: germline.

Blueprint Genetics
Classification: Likely benign. Last evaluated: 2024-10-02. Review status: criteria provided, single submitter. Criteria: ACMG Guidelines, 2015. Collection method: clinical testing. Allele origin: germline.

Fulgent Genetics
Classification: Likely benign for Developmental and epileptic encephalopathy, 24; Generalized epilepsy with febrile seizures plus, type 10. Last evaluated: 2022-05-13. Review status: criteria provided, single submitter. Criteria: ACMG Guidelines, 2015. Collection method: clinical testing. Allele origin: unknown.

GeneDx
Classification: Benign. Last evaluated: 2021-04-07. Review status: criteria provided, single submitter. Criteria: GeneDx Variant Classification Process June 2021. Collection method: clinical testing. Allele origin: germline. Affected: yes.

Athena Diagnostics
Classification: Benign. Last evaluated: 2019-06-12. Review status: criteria provided, single submitter. Criteria: Athena Diagnostics Criteria. Collection method: clinical testing. Allele origin: germline.

Ambry Genetics
Classification: Likely benign for Inborn genetic diseases. Last evaluated: 2016-12-15. Review status: criteria provided, single submitter. Criteria: Ambry Variant Classification Scheme 2023. Collection method: clinical testing. Allele origin: germline.

Eurofins Ntd Llc (ga)
Classification: Benign. Last evaluated: 2015-04-21. Review status: criteria provided, single submitter. Criteria: EGL Classification Definitions 2015. Collection method: clinical testing. Allele origin: germline. Observed: 3 variant alleles, 3 heterozygotes.

NM_021072.4(HCN1):c.2172C>T (p.Ala724=)

Gene: HCN1 (hyperpolarization activated cyclic nucleotide gated potassium channel 1; minus strand). Cytogenetic location: 5p12.
Variant type: single nucleotide variant.
Coding change: c.2172C>T on transcript NM_021072.4 (MANE Select); coding-DNA position 2172, C replaced by T.
Protein change: p.Ala724=; no amino-acid change (alanine 724 retained).
Molecular consequence: synonymous variant.
Genome position (GRCh38, 1-based): chr5:45,262,422, G>A on the plus strand (C>T on the coding strand, the complement: HCN1 is on the minus strand). VCF-style: chr5-45262422-G-A. GRCh37 (hg19) VCF-style: chr5-45262524-G-A.
Identifiers: ClinVar variation 198898 (VCV000198898.48), dbSNP rs56217199, ClinGen allele CA214605.
Genomic context (GRCh38, chr5:45,262,422, plus strand): 5'-CGGCGGCTGGGACTGCTGTACCTGCTGCTGCGGCTGCTGTTGCATGAGTGACAGCTGGGA[G>A]GCGGTGGGGGAGGCATAGTGGAAAGTTCGAGCGGCCAGAGGGCTCTGTACAGGAGGGCTG-3'
Protein context (NP_066550.2, residues 714-734): ARTFHYASPT[Ala724=]SQLSLMQQQP